The following is an entry in ClinVar:

ClinVar aggregate classification (germline): Uncertain significance (1 of 4 stars; one submission).

Conditions:
Short-rib thoracic dysplasia 8 with or without polydactyly (SRTD8). Also called: SHORT-RIB THORACIC DYSPLASIA 8 WITH POLYDACTYLY. Identifiers: Orphanet 93271, MedGen C3809691, MONDO:0014214, OMIM 615503.

Submission:

Labcorp Genetics (formerly Invitae), Labcorp
Classification: Uncertain significance for Short-rib thoracic dysplasia 8 with or without polydactyly. Last evaluated: 2023-05-22. Review status: criteria provided, single submitter. Criteria: Invitae Variant Classification Sherloc (09022015). Collection method: clinical testing. Allele origin: germline.
Comment: In summary, the available evidence is currently insufficient to determine the role of this variant in disease. Therefore, it has been classified as a Variant of Uncertain Significance. An algorithm developed to predict the effect of missense changes on protein structure and function (PolyPhen-2) suggests that this variant is likely to be tolerated. ClinVar contains an entry for this variant (Variation ID: 1680703). This variant has not been reported in the literature in individuals affected with WDR60-related conditions. This variant is not present in population databases (gnomAD no frequency). This sequence change replaces leucine, which is neutral and non-polar, with proline, which is neutral and non-polar, at codon 712 of the WDR60 protein (p.Leu712Pro).

NM_018051.5(DYNC2I1):c.2135T>C (p.Leu712Pro)

Gene: DYNC2I1 (dynein 2 intermediate chain 1; plus strand). Cytogenetic location: 7q36.3.
Variant type: single nucleotide variant.
Coding change: c.2135T>C on transcript NM_018051.5 (MANE Select); coding-DNA position 2135, T replaced by C.
Protein change: p.Leu712Pro; replaces leucine 712 with proline.
Molecular consequence: missense variant.
Genome position (GRCh38, 1-based): chr7:158,923,611, T>C. VCF-style: chr7-158923611-T-C. GRCh37 (hg19) VCF-style: chr7-158716302-T-C.
Other names: c.1997T>C, p.Leu666Pro (NM_001350914.2); c.1562T>C, p.Leu521Pro (NM_001350915.2); c.674T>C, p.Leu225Pro (NM_001350916.2); c.887T>C, p.Leu296Pro (NM_001350917.2, NM_001350918.2); short protein forms L225P, L296P, L521P, L666P, L712P.
Identifiers: ClinVar variation 1680703 (VCV001680703.8), dbSNP rs2129486673, ClinGen allele CA370178547.